The following is an entry in ClinVar:

NM_000232.5(SGCB):c.502A>G (p.Met168Val)

Gene: SGCB (sarcoglycan beta; minus strand). Cytogenetic location: 4q12.
Variant type: single nucleotide variant.
Coding change: c.502A>G on transcript NM_000232.5 (MANE Select); coding-DNA position 502, A replaced by G.
Protein change: p.Met168Val; replaces methionine 168 with valine.
Molecular consequence: missense variant.
Genome position (GRCh38, 1-based): chr4:52,028,849, T>C on the plus strand (A>G on the coding strand, the complement: SGCB is on the minus strand). VCF-style: chr4-52028849-T-C. GRCh37 (hg19) VCF-style: chr4-52895015-T-C.
Other names: short protein forms M168V.
Identifiers: ClinVar variation 285160 (VCV000285160.18), dbSNP rs754465904, ClinGen allele CA2918374.
Genomic context (GRCh38, chr4:52,028,849, plus strand): 5'-CATGAGTTTCATAGTCTGTGCTGAATAAGATATTTTGAGTCCTCGGGTCAAAAAACTGCA[T>C]GCCGATGTCACTTGTAATAGAAGTTTTGTTGTTTTCTACACTGAGCTTTGTTGTCCCTTG-3'
Protein context (NP_000223.1, residues 158-178): NKTSITSDIG[Met168Val]QFFDPRTQNI

ClinVar aggregate classification (germline): Uncertain significance. Review status: criteria provided, multiple submitters, no conflicts (2 of 4 stars). 6 submissions from 6 submitters: Uncertain significance (5). 1 of the submissions does not count toward it. Last evaluated 2023-10-02.

Conditions:
Qualitative or quantitative defects of beta-sarcoglycan. Identifiers: Orphanet 207063, MedGen C2930900, MONDO:0016142.
Autosomal recessive limb-girdle muscular dystrophy type 2E (LGMDR4). Also called: MUSCULAR DYSTROPHY, LIMB-GIRDLE, AUTOSOMAL RECESSIVE 4. Identifiers: Orphanet 119, MedGen C1858593, MONDO:0011423, OMIM 604286. Disease mechanism: Affects gamma-sarcoglycan and also disrupts the integrity of the entire sarcoglycan complex..

Allele frequency attached by ClinVar (database versions not stated): TOPMed below 0.00001; gnomAD 0.00001; gnomAD exomes 0.00003 and 0.00004; ExAC 0.00004.

Submissions (6):

Revvity Omics, Revvity
Classification: Uncertain significance for Autosomal recessive limb-girdle muscular dystrophy type 2E. Last evaluated: 2023-10-02. Review status: criteria provided, single submitter. Criteria: ACMG Guidelines, 2015. Collection method: clinical testing. Allele origin: germline.

Labcorp Genetics (formerly Invitae), Labcorp
Classification: Uncertain significance for Autosomal recessive limb-girdle muscular dystrophy type 2E. Last evaluated: 2022-07-12. Review status: criteria provided, single submitter. Criteria: Invitae Variant Classification Sherloc (09022015). Collection method: clinical testing. Allele origin: germline.
Comment: This sequence change replaces methionine, which is neutral and non-polar, with valine, which is neutral and non-polar, at codon 168 of the SGCB protein (p.Met168Val). This variant is present in population databases (rs754465904, gnomAD 0.01%). This variant has not been reported in the literature in individuals affected with SGCB-related conditions. ClinVar contains an entry for this variant (Variation ID: 285160). Algorithms developed to predict the effect of missense changes on protein structure and function output the following: SIFT: "Tolerated"; PolyPhen-2: "Benign"; Align-GVGD: "Class C0". The valine amino acid residue is found in multiple mammalian species, which suggests that this missense change does not adversely affect protein function. In summary, the available evidence is currently insufficient to determine the role of this variant in disease. Therefore, it has been classified as a Variant of Uncertain Significance.

GeneDx
Classification: Uncertain significance. Last evaluated: 2019-08-14. Review status: criteria provided, single submitter. Criteria: GeneDx Variant Classification Process June 2021. Collection method: clinical testing. Allele origin: germline. Affected: yes.
Comment: Not observed at a significant frequency in large population cohorts (Lek et al., 2016); In silico analysis, which includes protein predictors and evolutionary conservation, supports that this variant does not alter protein structure/function; This variant is associated with the following publications: (PMID: 30564623)

Eurofins Ntd Llc (ga)
Classification: Uncertain significance. Last evaluated: 2018-07-19. Review status: criteria provided, single submitter. Criteria: EGL ClinVar v180209 classification definitions. Collection method: clinical testing. Allele origin: germline. Observed: 2 variant alleles, 2 heterozygotes.

Illumina Laboratory Services, Illumina
Classification: Uncertain significance for Qualitative or quantitative defects of beta-sarcoglycan. Last evaluated: 2018-01-12. Review status: criteria provided, single submitter. Criteria: ICSL Variant Classification Criteria 13 December 2019. Collection method: clinical testing. Allele origin: germline.

Natera, Inc.
Classification: Uncertain significance for Limb-girdle muscular dystrophy type 2E. Last evaluated: 2020-07-28. Review status: no assertion criteria provided. Collection method: clinical testing. Allele origin: germline. Not counted in ClinVar's aggregate classification.